The following is an entry in ClinVar:

NM_001184.4(ATR):c.5581G>C (p.Glu1861Gln)

Gene: ATR (ATR checkpoint kinase; minus strand). Cytogenetic location: 3q23.
Variant type: single nucleotide variant.
Coding change: c.5581G>C on transcript NM_001184.4 (MANE Select); coding-DNA position 5581, G replaced by C.
Protein change: p.Glu1861Gln; replaces glutamic acid 1861 with glutamine.
Molecular consequence: missense variant.
Genome position (GRCh38, 1-based): chr3:142,497,170, C>G on the plus strand (G>C on the coding strand, the complement: ATR is on the minus strand). VCF-style: chr3-142497170-C-G. GRCh37 (hg19) VCF-style: chr3-142216012-C-G.
Other names: c.5389G>C, p.Glu1797Gln (NM_001354579.2); c.5581G>C (NM_001184.3); short protein forms E1861Q, E1797Q.
Identifiers: ClinVar variation 1431396 (VCV001431396.10), dbSNP rs2108336827, ClinGen allele CA354815002.
Genomic context (GRCh38, chr3:142,497,170, plus strand): 5'-GAGAATCTTCTTGAGAACTGTCACCTGGAGAATGCTGGAAAAGTGGTTTGATGCTATGCT[C>G]CAACTCACATAACATGTGCAATCTGAAGATAGATAGAGCCTATGTTAAAATGTTATCATA-3'
Protein context (NP_001175.2, residues 1851-1871): IVRLHMLCEL[Glu1861Gln]HSIKPLFQHS

ClinVar aggregate classification (germline): Uncertain significance. Review status: criteria provided, multiple submitters, no conflicts (2 of 4 stars). 2 submissions from 2 submitters: Uncertain significance (2). Last evaluated 2025-12-02.

Conditions:
Inborn genetic diseases. Identifiers: MedGen C0950123, MeSH D030342.

Submissions (2):

Ambry Genetics
Classification: Uncertain significance for Inborn genetic diseases. Last evaluated: 2025-12-02. Review status: criteria provided, single submitter. Criteria: Ambry Variant Classification Scheme 2023. Collection method: clinical testing. Allele origin: germline.

Labcorp Genetics (formerly Invitae), Labcorp
Classification: Uncertain significance. Last evaluated: 2020-11-24. Review status: criteria provided, single submitter. Criteria: Invitae Variant Classification Sherloc (09022015). Collection method: clinical testing. Allele origin: germline.
Comment: This variant is not present in population databases (ExAC no frequency). In summary, the available evidence is currently insufficient to determine the role of this variant in disease. Therefore, it has been classified as a Variant of Uncertain Significance. Algorithms developed to predict the effect of missense changes on protein structure and function are either unavailable or do not agree on the potential impact of this missense change (SIFT: "Tolerated"; PolyPhen-2: "Probably Damaging"; Align-GVGD: "Class C0"). This variant has not been reported in the literature in individuals with ATR-related conditions. This sequence change replaces glutamic acid with glutamine at codon 1861 of the ATR protein (p.Glu1861Gln). The glutamic acid residue is moderately conserved and there is a small physicochemical difference between glutamic acid and glutamine.